The following is an entry in ClinVar:

ClinVar aggregate classification (germline): Pathogenic (1 of 4 stars; one submission).

Conditions:
Hereditary factor XI deficiency disease. Also called: PLASMA THROMBOPLASTIN ANTECEDENT DEFICIENCY; PTA DEFICIENCY; ROSENTHAL SYNDROME; Congenital factor XI deficiency. Identifiers: Orphanet 329, MedGen C0015523, MeSH D005173, MONDO:0012897, OMIM 612416.

Submission:

Myriad Genetics, Inc.
Classification: Pathogenic for Hereditary factor XI deficiency disease. Last evaluated: 2024-05-14. Review status: criteria provided, single submitter. Criteria: Myriad Autosomal Dominant, Autosomal Recessive and X-Linked Classification Criteria (2023). Collection method: clinical testing. Allele origin: unknown.
Comment: NM_000128.3(F11):c.742A>T(K248*) is expected to be pathogenic in the context of factor XI deficiency. This variant is predicted to lead to an abnormal or absent protein product due to the creation of a premature termination codon in F11, a gene where loss-of-function variants are known to be pathogenic. Please note: this variant was assessed in the context of healthy population screening.

NM_000128.4(F11):c.742A>T (p.Lys248Ter)

Gene: F11 (coagulation factor XI; plus strand). Cytogenetic location: 4q35.2.
Variant type: single nucleotide variant.
Coding change: c.742A>T on transcript NM_000128.4 (MANE Select); coding-DNA position 742, A replaced by T.
Protein change: p.Lys248Ter; replaces lysine 248 with a stop codon.
Molecular consequence: nonsense. On other transcripts: intron variant (4).
Genome position (GRCh38, 1-based): chr4:186,276,377, A>T. VCF-style: chr4-186276377-A-T. GRCh37 (hg19) VCF-style: chr4-187197531-A-T.
Other names: c.742A>T, p.Lys248Ter (NM_001440590.1, NM_001440593.1, NM_001440596.1); c.485+2102A>T (NM_001440605.1, NM_001440607.1, NM_001440606.1 and 1 more transcripts); short protein forms K248*.
Identifiers: ClinVar variation 5010321 (VCV005010321.1).
Genomic context (GRCh38, chr4:186,276,377, plus strand): 5'-CGAATCTGCACTCATCATCCCGGTTGCTTGTTTTTTACCTTCTTTTCCCAGGAATGGCCC[A>T]AAGAATCTCAAAGGTAAGGAGTTAACAAGTAAGGATAATTTGTTATCTTCTAAAAATAGC-3'